The following is an entry in ClinVar:

NM_005337.5(NCKAP1L):c.885T>A (p.Arg295=)

Gene: NCKAP1L (NCK associated protein 1 like; plus strand). Cytogenetic location: 12q13.2.
Variant type: single nucleotide variant.
Coding change: c.885T>A on transcript NM_005337.5 (MANE Select); coding-DNA position 885, T replaced by A.
Protein change: p.Arg295=; no amino-acid change (arginine 295 retained).
Molecular consequence: synonymous variant.
Genome position (GRCh38, 1-based): chr12:54,512,049, T>A. VCF-style: chr12-54512049-T-A. GRCh37 (hg19) VCF-style: chr12-54905833-T-A.
Other names: c.735T>A, p.Arg245= (NM_001184976.2); c.885T>A (NM_005337.4).
Identifiers: ClinVar variation 2152565 (VCV002152565.6), dbSNP rs143161034, ClinGen allele CA6608954.

ClinVar aggregate classification (germline): Likely benign. Review status: criteria provided, single submitter (1 of 4 stars). 2 submissions from 2 submitters: Likely benign (1). 1 of the submissions does not count toward it. Last evaluated 2026-01-05.

Conditions:
NCKAP1L-related disorder. Also called: NCKAP1L-related condition.

Allele frequency attached by ClinVar (database versions not stated): TOPMed 0.00017; gnomAD 0.00025; ESP Exome Variant Server 0.00031; 1000 Genomes Project 0.00040; 1000 Genomes Project 30x 0.00047.
gnomAD v4.1: 71 of 1,614,134 alleles (0.0044%); highest among the groups gnomAD compares: Middle Eastern, 0.099%; 1 homozygote.

Submissions (2):

Labcorp Genetics (formerly Invitae), Labcorp
Classification: Likely benign. Last evaluated: 2026-01-05. Review status: criteria provided, single submitter. Criteria: Invitae Variant Classification Sherloc (09022015). Collection method: clinical testing. Allele origin: germline.

PreventionGenetics, part of Exact Sciences
Classification: Likely benign for NCKAP1L-related condition. Last evaluated: 2022-04-26. Review status: no assertion criteria provided. Collection method: clinical testing. Allele origin: germline. Not counted in ClinVar's aggregate classification.
Comment: This variant is classified as likely benign based on ACMG/AMP sequence variant interpretation guidelines (Richards et al. 2015 PMID: 25741868, with internal and published modifications).